The following is an entry in ClinVar:

NM_001377334.1(PIK3C2B):c.4863C>T (p.Thr1621=)

Gene: PIK3C2B (phosphatidylinositol-4-phosphate 3-kinase catalytic subunit type 2 beta; minus strand). Cytogenetic location: 1q32.1.
Variant type: single nucleotide variant.
Coding change: c.4863C>T on transcript NM_001377334.1 (MANE Select); coding-DNA position 4863, C replaced by T.
Protein change: p.Thr1621=; no amino-acid change (threonine 1621 retained).
Molecular consequence: synonymous variant.
Genome position (GRCh38, 1-based): chr1:204,424,894, G>A on the plus strand (C>T on the coding strand, the complement: PIK3C2B is on the minus strand). VCF-style: chr1-204424894-G-A. GRCh37 (hg19) VCF-style: chr1-204394022-G-A.
Other names: c.4779C>T, p.Thr1593= (NM_001377335.1); c.4863C>T, p.Thr1621= (NM_002646.4).
Identifiers: ClinVar variation 3034564 (VCV003034564.2), dbSNP rs114464486, ClinGen allele CA1346985.

ClinVar aggregate classification (germline): Likely benign (0 of 4 stars; one submission).

Conditions:
PIK3C2B-related disorder. Also called: PIK3C2B-related condition.

Allele frequency attached by ClinVar (database versions not stated): gnomAD exomes 0.00013; ExAC 0.00046; gnomAD 0.00139; TOPMed 0.00152; 1000 Genomes Project 30x 0.00156; 1000 Genomes Project 0.00180; ESP Exome Variant Server 0.00185.
gnomAD v4.1: 420 of 1,614,172 alleles (0.026%); highest among the groups gnomAD compares: African/African-American, 0.47%; 1 homozygote.

Submission:

PreventionGenetics, part of Exact Sciences
Classification: Likely benign for PIK3C2B-related condition. Last evaluated: 2024-03-12. Review status: no assertion criteria provided. Collection method: clinical testing. Allele origin: germline.
Comment: This variant is classified as likely benign based on ACMG/AMP sequence variant interpretation guidelines (Richards et al. 2015 PMID: 25741868, with internal and published modifications).